The following is an entry in ClinVar:

ClinVar aggregate classification (germline): Uncertain significance. Review status: criteria provided, multiple submitters, no conflicts (2 of 4 stars). 2 submissions from 2 submitters: Uncertain significance (2). Last evaluated 2024-09-03.

Conditions:
Brugada syndrome 4 (BRGDA4). Identifiers: Orphanet 130, MedGen C2678477, MONDO:0012743, OMIM 611876.
Cardiovascular phenotype. Identifiers: MedGen CN230736.

gnomAD v4.1: 4 of 1,610,590 alleles (0.00025%); highest among the groups gnomAD compares: Non-Finnish European, 0.00034%; no homozygotes.

Submissions (2):

Labcorp Genetics (formerly Invitae), Labcorp
Classification: Uncertain significance for Brugada syndrome 4. Last evaluated: 2024-09-03. Review status: criteria provided, single submitter. Criteria: Invitae Variant Classification Sherloc (09022015). Collection method: clinical testing. Allele origin: germline.
Comment: This sequence change replaces threonine, which is neutral and polar, with alanine, which is neutral and non-polar, at codon 215 of the CACNB2 protein (p.Thr215Ala). This variant is not present in population databases (gnomAD no frequency). This variant has not been reported in the literature in individuals affected with CACNB2-related conditions. An algorithm developed to predict the effect of missense changes on protein structure and function (PolyPhen-2) suggests that this variant is likely to be tolerated. In summary, the available evidence is currently insufficient to determine the role of this variant in disease. Therefore, it has been classified as a Variant of Uncertain Significance.

Ambry Genetics
Classification: Uncertain significance for Cardiovascular phenotype. Last evaluated: 2024-06-23. Review status: criteria provided, single submitter. Criteria: Ambry Variant Classification Scheme 2023. Collection method: clinical testing. Allele origin: germline.
Comment: The p.T215A variant (also known as c.643A>G) is located in coding exon 7 of the CACNB2 gene. The threonine at codon 215 is replaced by alanine, an amino acid with similar properties. This change occurs in the first base pair of coding exon 7. This amino acid position is conserved. In addition, this alteration is predicted to be tolerated by in silico analysis. Based on the available evidence, the clinical significance of this variant remains unclear.

NM_201596.3(CACNB2):c.805A>G (p.Thr269Ala)

Gene: CACNB2 (calcium voltage-gated channel auxiliary subunit beta 2; plus strand). Cytogenetic location: 10p12.31.
Variant type: single nucleotide variant.
Coding change: c.805A>G on transcript NM_201596.3 (MANE Select); coding-DNA position 805, A replaced by G.
Protein change: p.Thr269Ala; replaces threonine 269 with alanine.
Molecular consequence: missense variant.
Genome position (GRCh38, 1-based): chr10:18,518,336, A>G. VCF-style: chr10-18518336-A-G. GRCh37 (hg19) VCF-style: chr10-18807265-A-G.
Other names: c.733A>G, p.Thr245Ala (NM_201597.3); c.640A>G, p.Thr214Ala (NM_000724.4); c.607A>G, p.Thr203Ala (NM_001167945.2); c.526A>G, p.Thr176Ala (NM_001330060.2); c.547A>G, p.Thr183Ala (NM_001410882.1); c.661A>G, p.Thr221Ala (NM_201570.3); c.721A>G, p.Thr241Ala (NM_201571.4); c.649A>G, p.Thr217Ala (NM_201572.4); and 2 more; short protein forms T215A, T217A, T221A, T176A, T203A, T214A, T231A, T241A.
Identifiers: ClinVar variation 3262858 (VCV003262858.3).